The following is an entry in ClinVar:

ClinVar aggregate classification (germline): Likely pathogenic (1 of 4 stars; one submission).

Submission:

Athena Diagnostics
Classification: Likely pathogenic. Last evaluated: 2023-04-26. Review status: criteria provided, single submitter. Criteria: Athena Diagnostics Criteria. Collection method: clinical testing. Allele origin: unknown.
Comment: This variant is expected to result in the loss of a functional protein. This variant has not been reported in large, multi-ethnic general populations.

NM_014363.6(SACS):c.7116del (p.Gln2373fs)

Gene: SACS (sacsin molecular chaperone; minus strand). Cytogenetic location: 13q12.12.
Variant type: Deletion.
Coding change: c.7116del on transcript NM_014363.6 (MANE Select); coding-DNA position 7116, one base deleted (T; older notation c.7116delT).
Protein change: p.Gln2373fs; shifts the reading frame from glutamine 2373.
Molecular consequence: frameshift variant.
Genome position (GRCh38, 1-based): chr13:23,336,760, A deleted on the plus strand (T on the coding strand, the reverse complement: SACS is on the minus strand). VCF-style (leftmost placement, unchanged base first): chr13-23336759-GA-G. GRCh37 (hg19) VCF-style: chr13-23910898-GA-G.
Other names: c.6675del, p.Gln2226fs (NM_001278055.2); short protein forms Q2226fs, Q2373fs.
Identifiers: ClinVar variation 2684331 (VCV002684331.1), dbSNP rs2542239046, ClinGen allele CA2697551671.